The following is an entry in ClinVar:

ClinVar aggregate classification (germline): Conflicting classifications of pathogenicity. Review status: criteria provided, conflicting classifications (1 of 4 stars). 2 submissions from 2 submitters: Uncertain significance (1); Likely benign (1). Last evaluated 2026-07-09.

Conditions:
Cardiovascular phenotype. Identifiers: MedGen CN230736.

Submissions (2):

Ambry Genetics
Classification: Uncertain significance for Cardiovascular phenotype. Last evaluated: 2026-07-09. Review status: criteria provided, single submitter. Criteria: Ambry Variant Classification Scheme 2023. Collection method: clinical testing. Allele origin: germline.
Comment: The p.V2555I variant (also known as c.7663G>A), located in coding exon 2 of the ZNF469 gene, results from a G to A substitution at nucleotide position 7663. The valine at codon 2555 is replaced by isoleucine, an amino acid with highly similar properties. This amino acid position is conserved. In addition, this alteration is predicted to be tolerated by in silico analysis. Based on the available evidence, the clinical significance of this variant remains unclear.

Mayo Clinic Laboratories, Mayo Clinic
Classification: Likely benign. Last evaluated: 2025-07-29. Review status: criteria provided, single submitter. Criteria: ACMG Guidelines, 2015. Collection method: clinical testing. Allele origin: germline. Observed: 1 variant allele.
Comment: BP1, BP4_moderate, PM2_supporting

NM_001367624.2(ZNF469):c.7747G>A (p.Val2583Ile)

Gene: ZNF469 (zinc finger protein 469; plus strand). Cytogenetic location: 16q24.2.
Variant type: single nucleotide variant.
Coding change: c.7747G>A on transcript NM_001367624.2 (MANE Select); coding-DNA position 7747, G replaced by A.
Protein change: p.Val2583Ile; replaces valine 2583 with isoleucine.
Molecular consequence: missense variant.
Genome position (GRCh38, 1-based): chr16:88,435,217, G>A. VCF-style: chr16-88435217-G-A. GRCh37 (hg19) VCF-style: chr16-88501625-G-A.
Other names: p.Val2583Ile; NM_001127464.1:c.7663G>A; short protein forms V2583I.
Identifiers: ClinVar variation 4684122 (VCV004684122.2).
Genomic context (GRCh38, chr16:88,435,217, plus strand): 5'-AGAGCACCGGGGTCCCCACACAGCCAGCAGCTGCACCCTCCAAGCCCTACTGAGCATGAG[G>A]TAGATGTGAAGACTCCGGCCTCCAAGCCCAGACCAGACCAGGCCAGGGAAGATGAGCTGC-3'
Protein context (NP_001354553.1, residues 2573-2593): LHPPSPTEHE[Val2583Ile]DVKTPASKPR